The following is an entry in ClinVar:

NM_012478.4(WBP2):c.682G>A (p.Ala228Thr)

Gene: WBP2 (WW domain binding protein 2; minus strand). Cytogenetic location: 17q25.1.
Variant type: single nucleotide variant.
Coding change: c.682G>A on transcript NM_012478.4 (MANE Select); coding-DNA position 682, G replaced by A.
Protein change: p.Ala228Thr; replaces alanine 228 with threonine.
Molecular consequence: missense variant.
Genome position (GRCh38, 1-based): chr17:75,846,958, C>T on the plus strand (G>A on the coding strand, the complement: WBP2 is on the minus strand). VCF-style: chr17-75846958-C-T. GRCh37 (hg19) VCF-style: chr17-73843039-C-T.
Other names: c.547G>A, p.Ala183Thr (NM_001330499.2); c.682G>A, p.Ala228Thr (NM_001348170.1); c.682G>A (NM_012478.3); short protein forms A228T, A183T.
Identifiers: ClinVar variation 1409647 (VCV001409647.7), dbSNP rs367581512, ClinGen allele CA8773783.

ClinVar aggregate classification (germline): Uncertain significance. Review status: criteria provided, multiple submitters, no conflicts (2 of 4 stars). 2 submissions from 2 submitters: Uncertain significance (2). Last evaluated 2026-06-16.

Conditions:
WBP2-related disorder. Also called: WBP2-related condition.

Allele frequency attached by ClinVar (database versions not stated): TOPMed 0.00005; gnomAD 0.00007 and 0.00008; ESP Exome Variant Server 0.00008; gnomAD exomes 0.00008 and 0.00013; ExAC 0.00012.

Submissions (2):

PreventionGenetics, part of Exact Sciences
Classification: Uncertain significance for WBP2-related condition. Last evaluated: 2026-06-16. Review status: criteria provided, single submitter. Criteria: ACMG Guidelines, 2015. Collection method: clinical testing. Allele origin: germline.
Comment: The WBP2 c.682G>A variant is predicted to result in the amino acid substitution p.Ala228Thr. To our knowledge, this variant has not been reported in the literature. This variant is reported in 0.015% of alleles in individuals of European (Non-Finnish) descent in gnomAD. At this time, the clinical significance of this variant is uncertain due to the absence of conclusive functional and genetic evidence.

Labcorp Genetics (formerly Invitae), Labcorp
Classification: Uncertain significance. Last evaluated: 2021-10-22. Review status: criteria provided, single submitter. Criteria: Invitae Variant Classification Sherloc (09022015). Collection method: clinical testing. Allele origin: germline.
Comment: Algorithms developed to predict the effect of missense changes on protein structure and function are either unavailable or do not agree on the potential impact of this missense change (SIFT: "Deleterious"; PolyPhen-2: "Benign"; Align-GVGD: "Class C0"). This variant has not been reported in the literature in individuals affected with WBP2-related conditions. This variant is present in population databases (rs367581512, ExAC 0.02%). This sequence change replaces alanine with threonine at codon 228 of the WBP2 protein (p.Ala228Thr). The alanine residue is highly conserved and there is a small physicochemical difference between alanine and threonine. In summary, the available evidence is currently insufficient to determine the role of this variant in disease. Therefore, it has been classified as a Variant of Uncertain Significance.